The following is an entry in ClinVar:

NM_001148.6(ANK2):c.9785C>T (p.Thr3262Ile)

Gene: ANK2 (ankyrin 2; plus strand). Cytogenetic location: 4q26.
Variant type: single nucleotide variant.
Coding change: c.9785C>T on transcript NM_001148.6 (MANE Select); coding-DNA position 9785, C replaced by T.
Protein change: p.Thr3262Ile; replaces threonine 3262 with isoleucine.
Molecular consequence: missense variant. On other transcripts: intron variant (68).
Genome position (GRCh38, 1-based): chr4:113,358,403, C>T. VCF-style: chr4-113358403-C-T. GRCh37 (hg19) VCF-style: chr4-114279559-C-T.
Other names: c.9551C>T, p.Thr3184Ile (NM_001386142.1); c.6185C>T, p.Thr2062Ile (NM_001386166.1); c.9926C>T, p.Thr3309Ile (NM_001386174.1); c.9902C>T, p.Thr3301Ile (NM_001386175.1); c.4412-2420C>T (NM_001386186.2, NM_001386148.2); c.4214-2420C>T (NM_001354269.3); c.4292-2420C>T (NM_001386187.2); c.4253-2420C>T (NM_001386147.1); and 35 more; short protein forms T3262I, T2062I, T3184I, T3301I, T3309I.
Identifiers: ClinVar variation 946847 (VCV000946847.6), dbSNP rs2095954523, ClinGen allele CA357939006.

ClinVar aggregate classification (germline): Uncertain significance (1 of 4 stars; one submission).

Conditions:
Long QT syndrome (LQTS). Identifiers: MedGen C0023976, MeSH D008133, MONDO:0002442. Disease mechanism: loss of function. Inheritance: Various modes of inheritance.

Allele frequency attached by ClinVar (database versions not stated): gnomAD exomes 0.00001.
gnomAD v4.1: 3 of 1,614,092 alleles (0.00019%); highest among the groups gnomAD compares: Non-Finnish European, 0.00025%; no homozygotes.

Submission:

Labcorp Genetics (formerly Invitae), Labcorp
Classification: Uncertain significance for Long QT syndrome. Last evaluated: 2019-06-05. Review status: criteria provided, single submitter. Criteria: Invitae Variant Classification Sherloc (09022015). Collection method: clinical testing. Allele origin: germline.
Comment: In summary, the available evidence is currently insufficient to determine the role of this variant in disease. Therefore, it has been classified as a Variant of Uncertain Significance. Algorithms developed to predict the effect of missense changes on protein structure and function (SIFT, PolyPhen-2, Align-GVGD) all suggest that this variant is likely to be tolerated, but these predictions have not been confirmed by published functional studies and their clinical significance is uncertain. This variant has not been reported in the literature in individuals with ANK2-related conditions. This variant is not present in population databases (ExAC no frequency). This sequence change replaces threonine with isoleucine at codon 3262 of the ANK2 protein (p.Thr3262Ile). The threonine residue is moderately conserved and there is a moderate physicochemical difference between threonine and isoleucine.